The following is an entry in ClinVar:

ClinVar aggregate classification (germline): Likely benign. Review status: criteria provided, multiple submitters, no conflicts (2 of 4 stars). 4 submissions from 4 submitters: Likely benign (4). Last evaluated 2026-03-28.

Conditions:
Cardiovascular phenotype. Identifiers: MedGen CN230736.
Hypercholesterolemia, autosomal dominant, type B (FHCL2). Also called: APOLIPOPROTEIN B-100, FAMILIAL DEFECTIVE; APOLIPOPROTEIN B-100, FAMILIAL LIGAND-DEFECTIVE; Familial Hypercholesterolemia Type B; Hyperlipoproteinemia Type IIb; Familial hypercholesterolemia 2; APOB-Related Familial Hypercholesterolemia, Autosomal Dominant. Identifiers: MedGen C1704417, MONDO:0007751, OMIM 144010.
Familial hypobetalipoproteinemia 1. Also called: APOB-Related Familial Hypobetalipoproteinemia; Hypobetalipoproteinemia, normotriglyceridemic; Acanthocytosis with hypobetalipoproteinemia. Identifiers: MedGen C4551990, MONDO:0014252, OMIM 615558.
Familial hypercholesterolemia. Also called: Familial hypercholesterolemias; Familial hypercholesterolaemia. Identifiers: MedGen C0020445, MONDO:0005439.

Allele frequency attached by ClinVar (database versions not stated): gnomAD exomes below 0.00001; gnomAD 0.00001; TOPMed 0.00001.
gnomAD v4.1: 8 of 1,613,822 alleles (0.0005%); highest among the groups gnomAD compares: Non-Finnish European, 0.00051%; no homozygotes.

Submissions (4):

Ambry Genetics
Classification: Likely benign for Cardiovascular phenotype. Last evaluated: 2026-03-28. Review status: criteria provided, single submitter. Criteria: Ambry Variant Classification Scheme 2023. Collection method: clinical testing. Allele origin: germline.

Labcorp Genetics (formerly Invitae), Labcorp
Classification: Likely benign for Familial hypobetalipoproteinemia 1; Hypercholesterolemia, autosomal dominant, type B. Last evaluated: 2025-12-03. Review status: criteria provided, single submitter. Criteria: Invitae Variant Classification Sherloc (09022015). Collection method: clinical testing. Allele origin: germline.

GENinCode PLC
Classification: Likely benign for Familial hypercholesterolemia. Last evaluated: 2024-05-03. Review status: criteria provided, single submitter. Criteria: ACMG Guidelines, 2015. Collection method: clinical testing. Allele origin: germline.
Comment: This is a synonymous (silent) variant that is not predicted by SpliceAI to impact splicing. In addition, it occurs at a nucleotide that is not conserved. Therefore this variant has been classified as Likely Benign (BP4, BP7).

Blueprint Genetics
Classification: Likely benign. Last evaluated: 2023-06-16. Review status: criteria provided, single submitter. Criteria: ACMG Guidelines, 2015. Collection method: clinical testing. Allele origin: germline.

NM_000384.3(APOB):c.11100G>A (p.Gln3700=)

Gene: APOB (apolipoprotein B; minus strand). Cytogenetic location: 2p24.1.
Variant type: single nucleotide variant.
Coding change: c.11100G>A on transcript NM_000384.3 (MANE Select); coding-DNA position 11100, G replaced by A.
Protein change: p.Gln3700=; no amino-acid change (glutamine 3700 retained).
Molecular consequence: synonymous variant.
Genome position (GRCh38, 1-based): chr2:21,005,768, C>T on the plus strand (G>A on the coding strand, the complement: APOB is on the minus strand). VCF-style: chr2-21005768-C-T. GRCh37 (hg19) VCF-style: chr2-21228640-C-T.
Identifiers: ClinVar variation 2949174 (VCV002949174.6), dbSNP rs983144468, ClinGen allele CA43494640.
Genomic context (GRCh38, chr2:21,005,768, plus strand): 5'-GGAGAATGAATAGCCATTGGGGTTTTTGGTGTACACAAAGGCAGTTGAAACACGAAGATG[C>T]TGTCTCCTACCAATGCTGGTGGTTACATCCAGCTTTAGGAAATCCCATAAGCTCTTGTCA-3'
Protein context (NP_000375.3, residues 3690-3710): LDVTTSIGRR[Gln3700=]HLRVSTAFVY